The following is an entry in ClinVar:

NM_001845.6(COL4A1):c.2191A>G (p.Lys731Glu)

Gene: COL4A1 (collagen type IV alpha 1 chain; minus strand). Cytogenetic location: 13q34.
Variant type: single nucleotide variant.
Coding change: c.2191A>G on transcript NM_001845.6 (MANE Select); coding-DNA position 2191, A replaced by G.
Protein change: p.Lys731Glu; replaces lysine 731 with glutamic acid.
Molecular consequence: missense variant.
Genome position (GRCh38, 1-based): chr13:110,181,294, T>C on the plus strand (A>G on the coding strand, the complement: COL4A1 is on the minus strand). VCF-style: chr13-110181294-T-C. GRCh37 (hg19) VCF-style: chr13-110833641-T-C.
Other names: short protein forms K731E.
Identifiers: ClinVar variation 2751134 (VCV002751134.3), dbSNP rs779636582, ClinGen allele CA388668837.

ClinVar aggregate classification (germline): Uncertain significance (1 of 4 stars; one submission).

Submission:

Labcorp Genetics (formerly Invitae), Labcorp
Classification: Uncertain significance. Last evaluated: 2023-08-07. Review status: criteria provided, single submitter. Criteria: Invitae Variant Classification Sherloc (09022015). Collection method: clinical testing. Allele origin: germline.
Comment: This sequence change replaces lysine, which is basic and polar, with glutamic acid, which is acidic and polar, at codon 731 of the COL4A1 protein (p.Lys731Glu). This variant is not present in population databases (gnomAD no frequency). This variant has not been reported in the literature in individuals affected with COL4A1-related conditions. An algorithm developed to predict the effect of missense changes on protein structure and function (PolyPhen-2) suggests that this variant is likely to be tolerated. In summary, the available evidence is currently insufficient to determine the role of this variant in disease. Therefore, it has been classified as a Variant of Uncertain Significance.